The following is an entry in ClinVar:

NM_000143.4(FH):c.1489T>C (p.Phe497Leu)

Gene: FH (fumarate hydratase; minus strand). Cytogenetic location: 1q43.
Variant type: single nucleotide variant.
Coding change: c.1489T>C on transcript NM_000143.4 (MANE Select); coding-DNA position 1489, T replaced by C.
Protein change: p.Phe497Leu; replaces phenylalanine 497 with leucine.
Molecular consequence: missense variant.
Genome position (GRCh38, 1-based): chr1:241,497,872, A>G on the plus strand (T>C on the coding strand, the complement: FH is on the minus strand). VCF-style: chr1-241497872-A-G. GRCh37 (hg19) VCF-style: chr1-241661172-A-G.
Other names: short protein forms F497L.
Identifiers: ClinVar variation 1390905 (VCV001390905.8), dbSNP rs2147911216, ClinGen allele CA345450352.

ClinVar aggregate classification (germline): Uncertain significance. Review status: criteria provided, multiple submitters, no conflicts (2 of 4 stars). 2 submissions from 2 submitters: Uncertain significance (2). Last evaluated 2021-11-02.

Conditions:
Hereditary cancer-predisposing syndrome. Also called: Neoplastic Syndromes, Hereditary; Tumor predisposition; Hereditary neoplastic syndrome; Hereditary Cancer Syndrome. Identifiers: Orphanet 140162, MedGen C0027672, MeSH D009386, MONDO:0015356.

Submissions (2):

Labcorp Genetics (formerly Invitae), Labcorp
Classification: Uncertain significance. Last evaluated: 2021-11-02. Review status: criteria provided, single submitter. Criteria: Invitae Variant Classification Sherloc (09022015). Collection method: clinical testing. Allele origin: germline.
Comment: In summary, the available evidence is currently insufficient to determine the role of this variant in disease. Therefore, it has been classified as a Variant of Uncertain Significance. Advanced modeling of protein sequence and biophysical properties (such as structural, functional, and spatial information, amino acid conservation, physicochemical variation, residue mobility, and thermodynamic stability) performed at Invitae indicates that this missense variant is expected to disrupt FH protein function. This variant has not been reported in the literature in individuals affected with FH-related conditions. This variant is not present in population databases (gnomAD no frequency). This sequence change replaces phenylalanine, which is neutral and non-polar, with leucine, which is neutral and non-polar, at codon 497 of the FH protein (p.Phe497Leu).

Ambry Genetics
Classification: Uncertain significance for Hereditary cancer-predisposing syndrome. Last evaluated: 2021-05-10. Review status: criteria provided, single submitter. Criteria: Ambry Variant Classification Scheme 2023. Collection method: clinical testing. Allele origin: germline.
Comment: The p.F497L variant (also known as c.1489T>C), located in coding exon 10 of the FH gene, results from a T to C substitution at nucleotide position 1489. The phenylalanine at codon 497 is replaced by leucine, an amino acid with highly similar properties. This amino acid position is highly conserved in available vertebrate species. In addition, this alteration is predicted to be deleterious by in silico analysis. Since supporting evidence is limited at this time, the clinical significance of this alteration remains unclear.